The following is an entry in ClinVar:

ClinVar aggregate classification (germline): Likely benign. Review status: criteria provided, multiple submitters, no conflicts (2 of 4 stars). 2 submissions from 2 submitters: Likely benign (2). Last evaluated 2023-06-29.

Conditions:
Early-infantile DEE. Also called: Ohtahara syndrome; Early infantile epileptic encephalopathy; Early infantile epileptic encephalopathy with suppression bursts. Identifiers: Orphanet 1934, MedGen C0393706, MONDO:0800491.

Allele frequency attached by ClinVar (database versions not stated): gnomAD exomes below 0.00001; ExAC 0.00001.
gnomAD v4.1: 11 of 1,612,532 alleles (0.00068%); highest among the groups gnomAD compares: Non-Finnish European, 0.00093%; no homozygotes.

Submissions (2):

Labcorp Genetics (formerly Invitae), Labcorp
Classification: Likely benign for Early-infantile DEE. Last evaluated: 2023-06-29. Review status: criteria provided, single submitter. Criteria: Invitae Variant Classification Sherloc (09022015). Collection method: clinical testing. Allele origin: germline.

GeneDx
Classification: Likely benign. Last evaluated: 2016-12-15. Review status: criteria provided, single submitter. Criteria: GeneDx Variant Classification (06012015). Collection method: clinical testing. Allele origin: germline. Affected: yes.
Comment: This variant is considered likely benign or benign based on one or more of the following criteria: it is a conservative change, it occurs at a poorly conserved position in the protein, it is predicted to be benign by multiple in silico algorithms, and/or has population frequency not consistent with disease.

NM_001130438.3(SPTAN1):c.1807-17C>T

Gene: SPTAN1 (spectrin alpha, non-erythrocytic 1; plus strand). Cytogenetic location: 9q34.11.
Variant type: single nucleotide variant.
Coding change: c.1807-17C>T on transcript NM_001130438.3 (MANE Select); 17 bases into the intron before coding-DNA position 1807, C replaced by T.
Molecular consequence: intron variant.
Genome position (GRCh38, 1-based): chr9:128,583,060, C>T. VCF-style: chr9-128583060-C-T. GRCh37 (hg19) VCF-style: chr9-131345339-C-T.
Other names: c.1807-17C>T (NM_001363759.2, NM_003127.4, NM_001363765.2 and 1 more transcripts).
Identifiers: ClinVar variation 391760 (VCV000391760.9), dbSNP rs1057524223, ClinGen allele CA5264522.